The following is an entry in ClinVar:

ClinVar aggregate classification (germline): Uncertain significance. Review status: criteria provided, multiple submitters, no conflicts (2 of 4 stars). 2 submissions from 2 submitters: Uncertain significance (2). Last evaluated 2025-12-29.

Conditions:
Fanconi anemia complementation group J. Also called: BRIP1-Related Fanconi Anemia. Identifiers: Orphanet 84, MedGen C1836860, MONDO:0012187, OMIM 609054.
Familial cancer of breast. Also called: Hereditary breast cancer; hereditary breast carcinoma; BREAST CANCER, FAMILIAL. Identifiers: Orphanet 227535, MedGen C0346153, MONDO:0016419, OMIM 114480. Disease mechanism: loss of function.

Submissions (2):

Center for Genomic Medicine, Rigshospitalet, Copenhagen University Hospital
Classification: Uncertain significance. Last evaluated: 2025-12-29. Review status: criteria provided, single submitter. Criteria: ACMG Guidelines, 2015. Collection method: clinical testing. Allele origin: germline.
Comment: Classification criteria: PM2_supporting

Labcorp Genetics (formerly Invitae), Labcorp
Classification: Uncertain significance for Familial cancer of breast; Fanconi anemia complementation group J. Last evaluated: 2025-07-21. Review status: criteria provided, single submitter. Criteria: Invitae Variant Classification Sherloc (09022015). Collection method: clinical testing. Allele origin: germline.
Comment: This sequence change replaces threonine, which is neutral and polar, with alanine, which is neutral and non-polar, at codon 486 of the BRIP1 protein (p.Thr486Ala). This variant is not present in population databases (gnomAD no frequency). This variant has not been reported in the literature in individuals affected with BRIP1-related conditions. ClinVar contains an entry for this variant (Variation ID: 2175419). Invitae Evidence Modeling of protein sequence and biophysical properties (such as structural, functional, and spatial information, amino acid conservation, physicochemical variation, residue mobility, and thermodynamic stability) indicates that this missense variant is not expected to disrupt BRIP1 protein function with a negative predictive value of 95%. In summary, the available evidence is currently insufficient to determine the role of this variant in disease. Therefore, it has been classified as a Variant of Uncertain Significance.

NM_032043.3(BRIP1):c.1456A>G (p.Thr486Ala)

Gene: BRIP1 (BRCA1 interacting DNA helicase 1; minus strand). Cytogenetic location: 17q23.2.
Variant type: single nucleotide variant.
Coding change: c.1456A>G on transcript NM_032043.3 (MANE Select); coding-DNA position 1456, A replaced by G.
Protein change: p.Thr486Ala; replaces threonine 486 with alanine.
Molecular consequence: missense variant.
Genome position (GRCh38, 1-based): chr17:61,793,614, T>C on the plus strand (A>G on the coding strand, the complement: BRIP1 is on the minus strand). VCF-style: chr17-61793614-T-C. GRCh37 (hg19) VCF-style: chr17-59870975-T-C.
Other names: short protein forms T486A.
Identifiers: ClinVar variation 2175419 (VCV002175419.5), dbSNP rs1190796460, ClinGen allele CA400482066.